The following is an entry in ClinVar:

NM_021978.4(ST14):c.1034G>A (p.Arg345His)

Gene: ST14 (ST14 transmembrane serine protease matriptase; plus strand). Cytogenetic location: 11q24.3.
Variant type: single nucleotide variant.
Coding change: c.1034G>A on transcript NM_021978.4 (MANE Select); coding-DNA position 1034, G replaced by A.
Protein change: p.Arg345His; replaces arginine 345 with histidine.
Molecular consequence: missense variant.
Genome position (GRCh38, 1-based): chr11:130,194,658, G>A. VCF-style: chr11-130194658-G-A. GRCh37 (hg19) VCF-style: chr11-130064553-G-A.
Other names: short protein forms R345H.
Identifiers: ClinVar variation 731737 (VCV000731737.7), dbSNP rs146924713, ClinGen allele CA6363862.
Genomic context (GRCh38, chr11:130,194,658, plus strand): 5'-CAGGTTCCTGATCCTCTTGCTTTCTCCCACCTTCCCTCTCAGGCTGTGGAGGCCGCTTAC[G>A]TAAAGCCCAGGGGACATTCAACAGCCCCTACTACCCAGGCCACTACCCACCCAACATTGA-3'
Protein context (NP_068813.1, residues 335-355): PRMSSCGGRL[Arg345His]KAQGTFNSPY

ClinVar aggregate classification (germline): Benign/Likely benign. Review status: criteria provided, multiple submitters, no conflicts (2 of 4 stars). 2 submissions from 2 submitters: Benign (1); Likely benign (1). Last evaluated 2026-01-01.

Allele frequency attached by ClinVar (database versions not stated): gnomAD 0.00010; TOPMed 0.00010; ESP Exome Variant Server 0.00015; 1000 Genomes Project 0.00280; 1000 Genomes Project 30x 0.00281.
gnomAD v4.1: 774 of 1,614,138 alleles (0.048%); highest among the groups gnomAD compares: South Asian, 0.75%; 15 homozygotes.

Submissions (2):

CeGaT Center for Human Genetics Tuebingen
Classification: Likely benign. Last evaluated: 2026-01-01. Review status: criteria provided, single submitter. Criteria: CeGaT Center For Human Genetics Tuebingen Variant Classification Criteria Version 2. Collection method: clinical testing. Allele origin: germline. Affected: yes. Observed: 1 variant allele.
Comment: ST14: BP4, BS2

Labcorp Genetics (formerly Invitae), Labcorp
Classification: Benign. Last evaluated: 2018-07-05. Review status: criteria provided, single submitter. Criteria: Invitae Variant Classification Sherloc (09022015). Collection method: clinical testing. Allele origin: germline.